The following is an entry in ClinVar:

ClinVar aggregate classification (germline): Uncertain significance. Review status: criteria provided, multiple submitters, no conflicts (2 of 4 stars). 5 submissions from 5 submitters: Uncertain significance (5). Last evaluated 2025-09-03.

Conditions:
Hereditary cancer-predisposing syndrome. Also called: Tumor predisposition; Neoplastic Syndromes, Hereditary; Hereditary Cancer Syndrome; Hereditary neoplastic syndrome. Identifiers: Orphanet 140162, MedGen C0027672, MeSH D009386, MONDO:0015356.
Familial cancer of breast. Also called: BREAST CANCER, FAMILIAL; Hereditary breast cancer; hereditary breast carcinoma. Identifiers: Orphanet 227535, MedGen C0346153, MONDO:0016419, OMIM 114480. Disease mechanism: loss of function.

Allele frequency attached by ClinVar (database versions not stated): TOPMed below 0.00001; gnomAD 0.00001.
gnomAD v4.1: 1 of 1,578,030 alleles (0.000063%); highest among the groups gnomAD compares: Non-Finnish European, 0.000086%; no homozygotes.

Submissions (5):

Labcorp Genetics (formerly Invitae), Labcorp
Classification: Uncertain significance for Familial cancer of breast. Last evaluated: 2025-09-03. Review status: criteria provided, single submitter. Criteria: Invitae Variant Classification Sherloc (09022015). Collection method: clinical testing. Allele origin: germline.
Comment: This sequence change replaces lysine, which is basic and polar, with asparagine, which is neutral and polar, at codon 238 of the BARD1 protein (p.Lys238Asn). This variant is not present in population databases (gnomAD no frequency). This variant has not been reported in the literature in individuals affected with BARD1-related conditions. ClinVar contains an entry for this variant (Variation ID: 629315). An algorithm developed to predict the effect of missense changes on protein structure and function (PolyPhen-2) suggests that this variant is likely to be disruptive. In summary, the available evidence is currently insufficient to determine the role of this variant in disease. Therefore, it has been classified as a Variant of Uncertain Significance.

Ambry Genetics
Classification: Uncertain significance for Hereditary cancer-predisposing syndrome. Last evaluated: 2025-08-09. Review status: criteria provided, single submitter. Criteria: Ambry Variant Classification Scheme 2023. Collection method: clinical testing. Allele origin: germline.
Comment: The p.K238N variant (also known as c.714G>C), located in coding exon 4 of the BARD1 gene, results from a G to C substitution at nucleotide position 714. The lysine at codon 238 is replaced by asparagine, an amino acid with similar properties. This amino acid position is not well conserved in available vertebrate species. In addition, this alteration is predicted to be tolerated by in silico analysis. Since supporting evidence is limited at this time, the clinical significance of this alteration remains unclear.

Color Diagnostics, LLC DBA Color Health
Classification: Uncertain significance for Hereditary cancer-predisposing syndrome. Last evaluated: 2023-12-04. Review status: criteria provided, single submitter. Criteria: ACMG Guidelines, 2015. Collection method: clinical testing. Allele origin: germline.
Comment: This missense variant replaces lysine with asparagine at codon 238 of the BARD1 protein. Computational prediction suggests that this variant may not impact protein structure and function (internally defined REVEL score threshold <= 0.5, PMID: 27666373). To our knowledge, functional studies have not been reported for this variant. This variant has not been reported in individuals affected with BARD1-related disorders in the literature. This variant has not been identified in the general population by the Genome Aggregation Database (gnomAD). The available evidence is insufficient to determine the role of this variant in disease conclusively. Therefore, this variant is classified as a Variant of Uncertain Significance.

GeneDx
Classification: Uncertain significance. Last evaluated: 2023-06-08. Review status: criteria provided, single submitter. Criteria: GeneDx Variant Classification Process June 2021. Collection method: clinical testing. Allele origin: germline. Affected: yes.
Comment: Not observed at significant frequency in large population cohorts (gnomAD); In silico analysis supports that this missense variant does not alter protein structure/function; Has not been previously published as pathogenic or benign to our knowledge

Blueprint Genetics
Classification: Uncertain significance. Last evaluated: 2022-11-25. Review status: criteria provided, single submitter. Criteria: ACMG Guidelines, 2015. Collection method: clinical testing. Allele origin: germline.

NM_000465.4(BARD1):c.714G>C (p.Lys238Asn)

Gene: BARD1 (BRCA1 associated RING domain 1; minus strand). Cytogenetic location: 2q35.
Variant type: single nucleotide variant.
Coding change: c.714G>C on transcript NM_000465.4 (MANE Select); coding-DNA position 714, G replaced by C.
Protein change: p.Lys238Asn; replaces lysine 238 with asparagine.
Molecular consequence: missense variant. On other transcripts: non-coding transcript variant (2), intron variant (3).
Genome position (GRCh38, 1-based): chr2:214,781,160, C>G on the plus strand (G>C on the coding strand, the complement: BARD1 is on the minus strand). VCF-style: chr2-214781160-C-G. GRCh37 (hg19) VCF-style: chr2-215645884-C-G.
Other names: c.714G>C (NM_000465.2); c.657G>C, p.Lys219Asn (NM_001282543.2); c.158+28252G>C (NM_001282548.2); c.215+15901G>C (NM_001282545.2); c.364+11137G>C (NM_001282549.2); short protein forms K238N, K219N.
Identifiers: ClinVar variation 629315 (VCV000629315.21), dbSNP rs1559425247, ClinGen allele CA350456288.